The following is an entry in ClinVar:

NM_001256789.3(CACNA1F):c.5305T>C (p.Tyr1769His)

Gene: CACNA1F (calcium voltage-gated channel subunit alpha1 F; minus strand). Cytogenetic location: Xp11.23.
Variant type: single nucleotide variant.
Coding change: c.5305T>C on transcript NM_001256789.3 (MANE Select); coding-DNA position 5305, T replaced by C.
Protein change: p.Tyr1769His; replaces tyrosine 1769 with histidine.
Molecular consequence: missense variant.
Genome position (GRCh38, 1-based): chrX:49,206,782, A>G on the plus strand (T>C on the coding strand, the complement: CACNA1F is on the minus strand). VCF-style: chrX-49206782-A-G. GRCh37 (hg19) VCF-style: chrX-49063243-A-G.
Other names: c.5338T>C (NM_005183.2); c.5143T>C, p.Tyr1715His (NM_001256790.3); c.5338T>C, p.Tyr1780His (NM_005183.4); short protein forms Y1769H, Y1780H, Y1715H.
Identifiers: ClinVar variation 1507375 (VCV001507375.9), dbSNP rs1455611582, ClinGen allele CA412958358.

ClinVar aggregate classification (germline): Uncertain significance. Review status: criteria provided, multiple submitters, no conflicts (2 of 4 stars). 2 submissions from 2 submitters: Uncertain significance (2). Last evaluated 2025-09-26.

Conditions:
Inborn genetic diseases. Identifiers: MedGen C0950123, MeSH D030342.

Allele frequency attached by ClinVar (database versions not stated): gnomAD exomes below 0.00001 and 0.00001; TOPMed 0.00002.

Submissions (2):

Labcorp Genetics (formerly Invitae), Labcorp
Classification: Uncertain significance. Last evaluated: 2025-09-26. Review status: criteria provided, single submitter. Criteria: Invitae Variant Classification Sherloc (09022015). Collection method: clinical testing. Allele origin: germline.
Comment: This sequence change replaces tyrosine, which is neutral and polar, with histidine, which is basic and polar, at codon 1780 of the CACNA1F protein (p.Tyr1780His). The frequency data for this variant in the population databases is considered unreliable, as metrics indicate poor data quality at this position in the gnomAD database. This variant has not been reported in the literature in individuals affected with CACNA1F-related conditions. ClinVar contains an entry for this variant (Variation ID: 1507375). An algorithm developed to predict the effect of missense changes on protein structure and function outputs the following: PolyPhen-2: "Benign". The histidine amino acid residue is found in multiple mammalian species, which suggests that this missense change does not adversely affect protein function. In summary, the available evidence is currently insufficient to determine the role of this variant in disease. Therefore, it has been classified as a Variant of Uncertain Significance.

Ambry Genetics
Classification: Uncertain significance for Inborn genetic diseases. Last evaluated: 2024-04-29. Review status: criteria provided, single submitter. Criteria: Ambry Variant Classification Scheme 2023. Collection method: clinical testing. Allele origin: germline.